The following is an entry in ClinVar:

ClinVar aggregate classification (germline): Uncertain significance (1 of 4 stars; one submission).

Conditions:
Inborn genetic diseases. Identifiers: MedGen C0950123, MeSH D030342.

Submission:

Ambry Genetics
Classification: Uncertain significance for Inborn genetic diseases. Last evaluated: 2026-07-06. Review status: criteria provided, single submitter. Criteria: Ambry Variant Classification Scheme 2023. Collection method: clinical testing. Allele origin: germline.
Comment: The c.139-2A>T intronic alteration consists of an A to T substitution two nucleotides before exon 3 (coding exon 2) of the PHF6 gene. Variants that disrupt the canonical splice site are expected to result in aberrant splicing. The resulting transcript is predicted to be in-frame and is not expected to trigger nonsense-mediated mRNA decay, although direct evidence is unavailable. This variant was not reported in population-based cohorts in the Genome Aggregation Database (gnomAD). Another variant impacting the same acceptor site (c.139-8A>G) has been identified in individual(s) with features consistent with Borjeson-Forssman-Lehmann syndrome (Vall&eacute;e, 2004). This nucleotide position is highly conserved in available vertebrate species. In silico splice site analysis predicts that this alteration will weaken the native splice acceptor site and may result in the creation or strengthening of a novel splice acceptor site. Based on insufficient or conflicting evidence, the clinical significance of this alteration remains unclear.

Literature cited by the submitters: PubMed 15466013.

NM_001015877.2(PHF6):c.139-2A>T

Gene: PHF6 (PHD finger protein 6; plus strand). Cytogenetic location: Xq26.2.
Variant type: single nucleotide variant.
Coding change: c.139-2A>T on transcript NM_001015877.2 (MANE Select); the canonical splice acceptor site of the intron before coding-DNA position 139, A replaced by T.
Molecular consequence: splice acceptor variant.
Genome position (GRCh38, 1-based): chrX:134,378,003, A>T. VCF-style: chrX-134378003-A-T. GRCh37 (hg19) VCF-style: chrX-133512033-A-T.
Other names: c.139-2A>T (NM_032458.3, NM_032335.3).
Identifiers: ClinVar variation 5026493 (VCV005026493.1).
Genomic context (GRCh38, chrX:134,378,003, plus strand): 5'-TTACTGTTTTACTGTGATTAATTTATATATGAACCTTAATTTTTTTTAAATGTAATTTAT[A>T]GCTCTTTTCATCTGCTTTGGTATCATCACACTCTGATAATGAAAGTCTTGGTGGATTTTC-3'